The following is an entry in ClinVar:

ClinVar aggregate classification (germline): Uncertain significance (1 of 4 stars; one submission).

gnomAD v4.1: 17 of 1,482,464 alleles (0.0011%); highest among the groups gnomAD compares: East Asian, 0.0028%; no homozygotes.

Submission:

Labcorp Genetics (formerly Invitae), Labcorp
Classification: Uncertain significance. Last evaluated: 2024-07-19. Review status: criteria provided, single submitter. Criteria: Invitae Variant Classification Sherloc (09022015). Collection method: clinical testing. Allele origin: germline.
Comment: This sequence change replaces arginine, which is basic and polar, with glutamine, which is neutral and polar, at codon 502 of the FSCN2 protein (p.Arg502Gln). The frequency data for this variant in the population databases is considered unreliable, as metrics indicate poor data quality at this position in the gnomAD database. This variant has not been reported in the literature in individuals affected with FSCN2-related conditions. An algorithm developed to predict the effect of missense changes on protein structure and function (PolyPhen-2) suggests that this variant is likely to be disruptive. In summary, the available evidence is currently insufficient to determine the role of this variant in disease. Therefore, it has been classified as a Variant of Uncertain Significance.

NM_012418.4(FSCN2):c.1433G>A (p.Arg478Gln)

Gene: FSCN2 (fascin actin-bundling protein 2, retinal; plus strand). Cytogenetic location: 17q25.3.
Variant type: single nucleotide variant.
Coding change: c.1433G>A on transcript NM_012418.4 (MANE Select); coding-DNA position 1433, G replaced by A.
Protein change: p.Arg478Gln; replaces arginine 478 with glutamine.
Molecular consequence: missense variant.
Genome position (GRCh38, 1-based): chr17:81,537,034, G>A. VCF-style: chr17-81537034-G-A. GRCh37 (hg19) VCF-style: chr17-79504060-G-A.
Other names: c.1505G>A, p.Arg502Gln (NM_001077182.3); short protein forms R478Q, R502Q.
Identifiers: ClinVar variation 3611470 (VCV003611470.2).